The following is an entry in ClinVar:

ClinVar aggregate classification (germline): Uncertain significance (1 of 4 stars; one submission).

Conditions:
SEMA3B-related disorder. Also called: SEMA3B-related condition.

Submissions (2):

PreventionGenetics, part of Exact Sciences
Classification: Uncertain significance for SEMA3B-related condition. Last evaluated: 2025-11-12. Review status: criteria provided, single submitter. Criteria: ACMG Guidelines, 2015. Collection method: clinical testing. Allele origin: germline.
Comment: The SEMA3B c.664+5G>T variant is predicted to interfere with splicing. To our knowledge, this variant has not been reported in the literature. Splicing prediction software estimates this variant is likely to impact the donor splice site of exon 6 (SpliceAI, Jaganathan et al. 2019. PubMed ID: 30661751). This variant is reported in 0.0061% of alleles in individuals of European (non-Finnish) descent in gnomAD. At this time, the clinical significance of this variant is uncertain due to the absence of conclusive functional and genetic evidence.

Dr. Peter K. Rogan Lab, Western University
No classification provided (evidence only). Condition: Sarcoma. Review status: no classification provided. Collection method: in vitro. Allele origin: not applicable. Functional consequence: skipped exon, retained intron. Not counted in ClinVar's aggregate classification.

NM_001290060.2(SEMA3B):c.664+5G>T

Gene: SEMA3B (semaphorin 3B; plus strand). Cytogenetic location: 3p21.31.
Variant type: single nucleotide variant.
Coding change: c.664+5G>T on transcript NM_001290060.2 (MANE Select); 5 bases into the intron after coding-DNA position 664, G replaced by T.
Molecular consequence: intron variant.
Genome position (GRCh38, 1-based): chr3:50,271,485, G>T. VCF-style: chr3-50271485-G-T. GRCh37 (hg19) VCF-style: chr3-50308916-G-T.
Other names: NC_000003.11:g.50308916G>T; c.664+5G>T (NM_004636.4, NM_001005914.3, NM_001290061.1).
Identifiers: ClinVar variation 3357889 (VCV003357889.3).